The following is an entry in ClinVar:

ClinVar aggregate classification (germline): Uncertain significance. Review status: criteria provided, multiple submitters, no conflicts (2 of 4 stars). 2 submissions from 2 submitters: Uncertain significance (2). Last evaluated 2023-11-27.

Conditions:
ALDH18A1-related de Barsy syndrome. Also called: Cutis laxa, autosomal recessive IIIA; DE BARSY SYNDROME A. Identifiers: Orphanet 2962, Orphanet 35664, MedGen C5234852, MONDO:0009053, OMIM 219150.
Cutis laxa, autosomal dominant 3 (ADCL3). Identifiers: Orphanet 90348, MedGen C4225268, MONDO:0014706, OMIM 616603.
Autosomal dominant spastic paraplegia type 9. Identifiers: MedGen C1832669, MONDO:0015091.
de Barsy syndrome. Also called: Cutis laxa-corneal clouding-oligophrenia syndrome. Identifiers: Orphanet 2962, MedGen C0268354, MONDO:0017569.

Allele frequency attached by ClinVar (database versions not stated): gnomAD exomes below 0.00001; TOPMed below 0.00001.
gnomAD v4.1: 1 of 1,614,054 alleles (0.000062%); highest among the groups gnomAD compares: Admixed American, 0.0017%; no homozygotes.

Submissions (2):

Labcorp Genetics (formerly Invitae), Labcorp
Classification: Uncertain significance for Autosomal dominant spastic paraplegia type 9; de Barsy syndrome; Cutis laxa, autosomal dominant 3. Last evaluated: 2023-11-27. Review status: criteria provided, single submitter. Criteria: Invitae Variant Classification Sherloc (09022015). Collection method: clinical testing. Allele origin: germline.
Comment: This sequence change replaces lysine, which is basic and polar, with arginine, which is basic and polar, at codon 462 of the ALDH18A1 protein (p.Lys462Arg). This variant is not present in population databases (gnomAD no frequency). This variant has not been reported in the literature in individuals affected with ALDH18A1-related conditions. ClinVar contains an entry for this variant (Variation ID: 301766). Advanced modeling of protein sequence and biophysical properties (such as structural, functional, and spatial information, amino acid conservation, physicochemical variation, residue mobility, and thermodynamic stability) performed at Invitae indicates that this missense variant is not expected to disrupt ALDH18A1 protein function with a negative predictive value of 95%. In summary, the available evidence is currently insufficient to determine the role of this variant in disease. Therefore, it has been classified as a Variant of Uncertain Significance.

Illumina Laboratory Services, Illumina
Classification: Uncertain significance for ALDH18A1-related de Barsy syndrome. Last evaluated: 2018-01-13. Review status: criteria provided, single submitter. Criteria: ICSL Variant Classification Criteria 13 December 2019. Collection method: clinical testing. Allele origin: germline.

NM_002860.4(ALDH18A1):c.1385A>G (p.Lys462Arg)

Gene: ALDH18A1 (aldehyde dehydrogenase 18 family member A1; minus strand). Cytogenetic location: 10q24.1.
Variant type: single nucleotide variant.
Coding change: c.1385A>G on transcript NM_002860.4 (MANE Select); coding-DNA position 1385, A replaced by G.
Protein change: p.Lys462Arg; replaces lysine 462 with arginine.
Molecular consequence: missense variant.
Genome position (GRCh38, 1-based): chr10:95,621,113, T>C on the plus strand (A>G on the coding strand, the complement: ALDH18A1 is on the minus strand). VCF-style: chr10-95621113-T-C. GRCh37 (hg19) VCF-style: chr10-97380870-T-C.
Other names: c.1046A>G, p.Lys349Arg (NM_001323418.2); c.749A>G, p.Lys250Arg (NM_001323419.2); c.1379A>G, p.Lys460Arg (NM_001017423.2, NM_001323415.2); c.1052A>G, p.Lys351Arg (NM_001323412.2, NM_001323416.2); c.1385A>G, p.Lys462Arg (NM_001323413.2, NM_001323414.2); c.1280A>G, p.Lys427Arg (NM_001323417.2); short protein forms K462R, K250R, K427R, K349R, K351R, K460R.
Identifiers: ClinVar variation 301766 (VCV000301766.11), dbSNP rs886047511, ClinGen allele CA10636591.
Genomic context (GRCh38, chr10:95,621,113, plus strand): 5'-GATTCAAAGATCACCAGCAGAACTCCAATTGGGACAGTCACTTGTTCCAGTTCCAAGTTT[T>C]TGGCGATTCGGGTGCGGCGCAAAACACGTCCCACGCTGTCCTGGGAGGAGGCTGCGATCT-3'
Protein context (NP_002851.2, residues 452-472): GRVLRRTRIA[Lys462Arg]NLELEQVTVP